The following is an entry in ClinVar:

NM_198514.4(NHLRC2):c.178+4A>G

Genes: NHLRC2 (NHL repeat containing 2; plus strand), LOC130004775 (ATAC-STARR-seq lymphoblastoid silent region 2838; plus strand). Cytogenetic location: 10q25.3.
Variant type: single nucleotide variant.
Coding change: c.178+4A>G on transcript NM_198514.4 (MANE Select); 4 bases into the intron after coding-DNA position 178, A replaced by G.
Molecular consequence: intron variant.
Genome position (GRCh38, 1-based): chr10:113,855,054, A>G. VCF-style: chr10-113855054-A-G. GRCh37 (hg19) VCF-style: chr10-115614813-A-G.
Identifiers: ClinVar variation 4293884 (VCV004293884.1).

ClinVar aggregate classification (germline): Uncertain significance (1 of 4 stars; one submission).

Conditions:
Fibrosis, neurodegeneration, and cerebral angiomatosis. Also called: Fibrosis-neurodegeneration-cerebral angiomatosis syndrome. Identifiers: Orphanet 621758, MedGen C4748939, MONDO:0032651, OMIM 618278.

Submission:

3billion
Classification: Uncertain significance for Fibrosis, neurodegeneration, and cerebral angiomatosis. Last evaluated: 2025-01-17. Review status: criteria provided, single submitter. Criteria: ACMG Guidelines, 2015. Collection method: clinical testing. Allele origin: germline. Affected: yes.
Comment: The variant is not observed in the gnomAD v4.1.0 dataset. Predicted Consequence/Location: Intron variant In silico tools predict the variant to alter splicing and produce an abnormal transcript [SpliceAI: 0.80 (>=0.2, moderate evidence for spliceogenicity)]. Therefore, this variant is classified as VUS according to the recommendation of ACMG/AMP guideline.